The following is an entry in ClinVar:

ClinVar aggregate classification (germline): Pathogenic (1 of 4 stars; one submission).

Conditions:
Mitochondrial complex V (ATP synthase) deficiency, nuclear type 2. Also called: MITOCHONDRIAL COMPLEX V (ATP SYNTHASE) DEFICIENCY, TMEM70 TYPE; Nuclear-Encoded ATPase Deficiency, TMEM70-Related; ENCEPHALOCARDIOMYOPATHY, MITOCHONDRIAL, NEONATAL, DUE TO ATP SYNTHASE DEFICIENCY. Identifiers: Orphanet 1194, MedGen C3279699, MONDO:0013546, OMIM 614052.

Submission:

Labcorp Genetics (formerly Invitae), Labcorp
Classification: Pathogenic for Mitochondrial complex V (ATP synthase) deficiency, nuclear type 2. Last evaluated: 2025-08-21. Review status: criteria provided, single submitter. Criteria: Invitae Variant Classification Sherloc (09022015). Collection method: clinical testing. Allele origin: germline.
Comment: This sequence change creates a premature translational stop signal (p.Pro123Hisfs*31) in the TMEM70 gene. While this is not anticipated to result in nonsense mediated decay, it is expected to disrupt the last 138 amino acid(s) of the TMEM70 protein. This variant is not present in population databases (gnomAD no frequency). This variant has not been reported in the literature in individuals affected with TMEM70-related conditions. ClinVar contains an entry for this variant (Variation ID: 1458977). This variant disrupts a region of the TMEM70 protein in which other variant(s) (p.Thr193Serfs*6) have been determined to be pathogenic (PMID: 21147908). This suggests that this is a clinically significant region of the protein, and that variants that disrupt it are likely to be disease-causing. For these reasons, this variant has been classified as Pathogenic.

Literature cited by the submitters: PubMed 21147908.

NM_017866.6(TMEM70):c.368del (p.Pro123fs)

Gene: TMEM70 (transmembrane protein 70; plus strand). Cytogenetic location: 8q21.11.
Variant type: Deletion.
Coding change: c.368del on transcript NM_017866.6 (MANE Select); coding-DNA position 368, one base deleted (C; older notation c.368delC).
Protein change: p.Pro123fs; shifts the reading frame from proline 123.
Molecular consequence: frameshift variant. On other transcripts: 3 prime UTR variant (1), non-coding transcript variant (1).
Genome position (GRCh38, 1-based): chr8:73,981,206, C deleted; the last of 2 consecutive C bases (chr8:73,981,205-73,981,206); deleting either gives the same sequence. VCF-style (leftmost placement, unchanged base first): chr8-73981204-GC-G. GRCh37 (hg19) VCF-style: chr8-74893439-GC-G.
Other names: c.*58del (NM_001040613.3); short protein forms P123fs.
Identifiers: ClinVar variation 1458977 (VCV001458977.6), dbSNP rs2131236570, ClinGen allele CA2573143291.